The following is an entry in ClinVar:

NM_024537.4(CARS2):c.1138T>C (p.Tyr380His)

Gene: CARS2 (cysteinyl-tRNA synthetase 2, mitochondrial; minus strand). Cytogenetic location: 13q34.
Variant type: single nucleotide variant.
Coding change: c.1138T>C on transcript NM_024537.4 (MANE Select); coding-DNA position 1138, T replaced by C.
Protein change: p.Tyr380His; replaces tyrosine 380 with histidine.
Molecular consequence: missense variant. On other transcripts: non-coding transcript variant (2).
Genome position (GRCh38, 1-based): chr13:110,647,156, A>G on the plus strand (T>C on the coding strand, the complement: CARS2 is on the minus strand). VCF-style: chr13-110647156-A-G. GRCh37 (hg19) VCF-style: chr13-111299503-A-G.
Other names: c.352T>C, p.Tyr118His (NM_001352252.2); c.1138T>C (NM_024537.2); short protein forms Y118H, Y380H.
Identifiers: ClinVar variation 1010501 (VCV001010501.12), dbSNP rs1888244220, ClinGen allele CA388744100.
Genomic context (GRCh38, chr13:110,647,156, plus strand): 5'-CTTACCTCTCCCACAGCATCGCTTCCCTGACGGAGCCGCAGGCCAGCTGCCCCTTCATGT[A>G]GGCACGTGCGTCCTCCAGGAAAGAGCCCAGCCCCAGGAGCAGCTGCTGAGCTTGGAGCAT-3'
Protein context (NP_078813.1, residues 370-390): LGSFLEDARA[Tyr380His]MKGQLACGSV

ClinVar aggregate classification (germline): Uncertain significance. Review status: criteria provided, multiple submitters, no conflicts (2 of 4 stars). 2 submissions from 2 submitters: Uncertain significance (2). Last evaluated 2022-08-16.

Conditions:
Combined oxidative phosphorylation defect type 27. Also called: Combined oxidative phosphorylation deficiency 27. Identifiers: Orphanet 477774, MedGen C5567608, MONDO:0014728, OMIM 616672.
Inborn genetic diseases. Identifiers: MedGen C0950123, MeSH D030342.

Allele frequency attached by ClinVar (database versions not stated): gnomAD exomes 0.00001.

Submissions (2):

Labcorp Genetics (formerly Invitae), Labcorp
Classification: Uncertain significance for Combined oxidative phosphorylation defect type 27. Last evaluated: 2022-08-16. Review status: criteria provided, single submitter. Criteria: Invitae Variant Classification Sherloc (09022015). Collection method: clinical testing. Allele origin: germline.
Comment: In summary, the available evidence is currently insufficient to determine the role of this variant in disease. Therefore, it has been classified as a Variant of Uncertain Significance. Algorithms developed to predict the effect of missense changes on protein structure and function (SIFT, PolyPhen-2, Align-GVGD) all suggest that this variant is likely to be disruptive. ClinVar contains an entry for this variant (Variation ID: 1010501). This variant has not been reported in the literature in individuals affected with CARS2-related conditions. This variant is not present in population databases (gnomAD no frequency). This sequence change replaces tyrosine, which is neutral and polar, with histidine, which is basic and polar, at codon 380 of the CARS2 protein (p.Tyr380His).

Ambry Genetics
Classification: Uncertain significance for Inborn genetic diseases. Last evaluated: 2021-08-17. Review status: criteria provided, single submitter. Criteria: Ambry Variant Classification Scheme 2023. Collection method: clinical testing. Allele origin: germline.